The following is an entry in ClinVar:

ClinVar aggregate classification (germline): Uncertain significance (1 of 4 stars; one submission).

Submission:

Labcorp Genetics (formerly Invitae), Labcorp
Classification: Uncertain significance. Last evaluated: 2025-12-15. Review status: criteria provided, single submitter. Criteria: Invitae Variant Classification Sherloc (09022015). Collection method: clinical testing. Allele origin: germline.
Comment: This sequence change replaces glycine, which is neutral and non-polar, with serine, which is neutral and polar, at codon 76 of the PSMB4 protein (p.Gly76Ser). This variant is not present in population databases (gnomAD no frequency). This variant has not been reported in the literature in individuals affected with PSMB4-related conditions. An algorithm developed to predict the effect of missense changes on protein structure and function (PolyPhen-2) suggests that this variant is likely to be disruptive. In summary, the available evidence is currently insufficient to determine the role of this variant in disease. Therefore, it has been classified as a Variant of Uncertain Significance.

NM_002796.3(PSMB4):c.226G>A (p.Gly76Ser)

Gene: PSMB4 (proteasome 20S subunit beta 4; plus strand). Cytogenetic location: 1q21.3.
Variant type: single nucleotide variant.
Coding change: c.226G>A on transcript NM_002796.3 (MANE Select); coding-DNA position 226, G replaced by A.
Protein change: p.Gly76Ser; replaces glycine 76 with serine.
Molecular consequence: missense variant.
Genome position (GRCh38, 1-based): chr1:151,400,066, G>A. VCF-style: chr1-151400066-G-A. GRCh37 (hg19) VCF-style: chr1-151372542-G-A.
Other names: short protein forms G76S.
Identifiers: ClinVar variation 4733338 (VCV004733338.1).